The following is an entry in ClinVar:

ClinVar aggregate classification (germline): Conflicting classifications of pathogenicity. Review status: criteria provided, conflicting classifications (1 of 4 stars). 4 submissions from 4 submitters: Likely pathogenic (1); Uncertain significance (2). 1 of the submissions does not count toward it. Last evaluated 2026-02-02.

Conditions:
IMPG1-related disorder. Also called: IMPG1-related condition.
Vitelliform macular dystrophy 4. Identifiers: Orphanet 99000, MedGen C4015342, MONDO:0014508, OMIM 616151.

Allele frequency attached by ClinVar (database versions not stated): gnomAD 0.00001; gnomAD exomes 0.00004 and 0.00009; ExAC 0.00004; TOPMed 0.00004.
gnomAD v4.1: 129 of 1,613,994 alleles (0.008%); highest among the groups gnomAD compares: Non-Finnish European, 0.011%; no homozygotes.

Submissions (4):

PreventionGenetics, part of Exact Sciences
Classification: Uncertain significance for IMPG1-related condition. Last evaluated: 2026-02-02. Review status: criteria provided, single submitter. Criteria: ACMG Guidelines, 2015. Collection method: clinical testing. Allele origin: germline.
Comment: The IMPG1 c.461T>C variant is predicted to result in the amino acid substitution p.Leu154Pro. This variant has been reported in the compound heterozygous state in two siblings with vitelliform macular dystrophy (Manes et al. 2013. PubMed ID: 23993198). This variant is present in 0.0079% of alleles in individuals of European (Non-Finnish) descent in gnomAD. Although we suspect that this variant may be pathogenic, at this time, the clinical significance of this variant is uncertain due to the absence of conclusive functional and genetic evidence.

Labcorp Genetics (formerly Invitae), Labcorp
Classification: Uncertain significance. Last evaluated: 2025-11-18. Review status: criteria provided, single submitter. Criteria: Invitae Variant Classification Sherloc (09022015). Collection method: clinical testing. Allele origin: germline.
Comment: This sequence change replaces leucine, which is neutral and non-polar, with proline, which is neutral and non-polar, at codon 154 of the IMPG1 protein (p.Leu154Pro). This variant is present in population databases (rs713993047, gnomAD 0.008%). This missense change has been observed in individual(s) with vitelliform macular dystrophy and/or retinitis pigmentosa (PMID: 23993198, 30688845; internal data). ClinVar contains an entry for this variant (Variation ID: 162136). An algorithm developed to predict the effect of missense changes on protein structure and function (PolyPhen-2) suggests that this variant is likely to be disruptive. In summary, the available evidence is currently insufficient to determine the role of this variant in disease. Therefore, it has been classified as a Variant of Uncertain Significance.

Blueprint Genetics
Classification: Likely pathogenic for IMPG1-related disorders. Last evaluated: 2021-09-03. Review status: criteria provided, single submitter. Criteria: ACMG Guidelines, 2015. Collection method: clinical testing. Allele origin: germline. Affected: yes. Observed: 3 variant alleles.

OMIM
Classification: Pathogenic for MACULAR DYSTROPHY, VITELLIFORM, 4. Last evaluated: 2013-09-05. Review status: no assertion criteria provided. Collection method: literature only. Allele origin: germline. Not counted in ClinVar's aggregate classification.

Literature cited by the submitters: PubMed 23993198 (cited by Labcorp Genetics (formerly Invitae), Labcorp and OMIM); PubMed 30688845 (cited by Labcorp Genetics (formerly Invitae), Labcorp and OMIM).

NM_001563.4(IMPG1):c.461T>C (p.Leu154Pro)

Gene: IMPG1 (interphotoreceptor matrix proteoglycan 1; minus strand). Cytogenetic location: 6q14.1.
Variant type: single nucleotide variant.
Coding change: c.461T>C on transcript NM_001563.4 (MANE Select); coding-DNA position 461, T replaced by C.
Protein change: p.Leu154Pro; replaces leucine 154 with proline.
Molecular consequence: missense variant.
Genome position (GRCh38, 1-based): chr6:76,034,628, A>G on the plus strand (T>C on the coding strand, the complement: IMPG1 is on the minus strand). VCF-style: chr6-76034628-A-G. GRCh37 (hg19) VCF-style: chr6-76744345-A-G.
Other names: c.227T>C, p.Leu76Pro (NM_001282368.2); short protein forms L154P, L76P.
Identifiers: ClinVar variation 162136 (VCV000162136.15), dbSNP rs713993047, ClinGen allele CA174986.